The following is an entry in ClinVar:

NM_133433.4(NIPBL):c.5482C>T (p.Arg1828Ter)

Gene: NIPBL (NIPBL cohesin loading factor; plus strand). Cytogenetic location: 5p13.2.
Variant type: single nucleotide variant.
Coding change: c.5482C>T on transcript NM_133433.4 (MANE Select); coding-DNA position 5482, C replaced by T.
Protein change: p.Arg1828Ter; replaces arginine 1828 with a stop codon.
Molecular consequence: nonsense.
Genome position (GRCh38, 1-based): chr5:37,022,298, C>T. VCF-style: chr5-37022298-C-T. GRCh37 (hg19) VCF-style: chr5-37022400-C-T.
Other names: c.5482C>T, p.Arg1828Ter (NM_015384.5); short protein forms R1828*.
Identifiers: ClinVar variation 159153 (VCV000159153.9), dbSNP rs62654864, ClinGen allele CA272158.

ClinVar aggregate classification (germline): Pathogenic. Review status: criteria provided, multiple submitters, no conflicts (2 of 4 stars). 3 submissions from 3 submitters: Pathogenic (3). Last evaluated 2026-03-04.

Conditions:
NIPBL-related disorder. Also called: NIPBL-related condition.
Cornelia de Lange syndrome 1 (CDLS1). Also called: Brachmann de Lange syndrome; NIPBL-Related Cornelia de Lange Syndrome; TYPUS DEGENERATIVUS AMSTELODAMENSIS. Identifiers: Orphanet 199, MedGen C4551851, MONDO:0007387, OMIM 122470.

Submissions (3):

GeneDx
Classification: Pathogenic. Last evaluated: 2026-03-04. Review status: criteria provided, single submitter. Criteria: GeneDx Variant Classification Process June 2021. Collection method: clinical testing. Allele origin: germline.
Comment: Not observed at significant frequency in large population cohorts (gnomAD); Nonsense variant predicted to result in protein truncation or nonsense mediated decay in a gene for which loss of function is a known mechanism of disease; This variant is associated with the following publications: (PMID: 37377026, 33502061)

Blueprint Genetics
Classification: Pathogenic for NIPBL-related disorders. Last evaluated: 2024-10-14. Review status: criteria provided, single submitter. Criteria: ACMG Guidelines, 2015. Collection method: clinical testing. Allele origin: germline. Affected: yes. Observed: 1 variant allele.

Genetic Services Laboratory, University of Chicago
Classification: Pathogenic for Cornelia de Lange syndrome 1. Last evaluated: 2013-02-08. Review status: criteria provided, single submitter. Criteria: ACMG Guidelines, 2007. Collection method: clinical testing. Allele origin: germline. Inheritance: Autosomal dominant inheritance. Affected: yes.